The following is an entry in ClinVar:

NM_000130.5(F5):c.2557G>A (p.Gly853Ser)

Gene: F5 (coagulation factor V; minus strand). Cytogenetic location: 1q24.2.
Variant type: single nucleotide variant.
Coding change: c.2557G>A on transcript NM_000130.5 (MANE Select); coding-DNA position 2557, G replaced by A.
Protein change: p.Gly853Ser; replaces glycine 853 with serine.
Molecular consequence: missense variant.
Genome position (GRCh38, 1-based): chr1:169,542,533, C>T on the plus strand (G>A on the coding strand, the complement: F5 is on the minus strand). VCF-style: chr1-169542533-C-T. GRCh37 (hg19) VCF-style: chr1-169511771-C-T.
Other names: short protein forms G853S.
Identifiers: ClinVar variation 1339297 (VCV001339297.1), dbSNP rs371753182, ClinGen allele CA32385536.
Genomic context (GRCh38, chr1:169,542,533, plus strand): 5'-CTCTTTCTACCTTGGGTCCCTTATGCTTAGCATGTTCTTGACTTTTGAATTCTCCAGCAC[C>T]AAGTGAAAGTAGACGTATCCCTGTGACATCTGGCTGTAGAGGATCCTCTATAGGGTCTTC-3'
Protein context (NP_000121.2, residues 843-863): DVTGIRLLSL[Gly853Ser]AGEFKSQEHA

ClinVar aggregate classification (germline): Uncertain significance (1 of 4 stars; one submission).

Allele frequency attached by ClinVar (database versions not stated): gnomAD exomes below 0.00001 and 0.00001; TOPMed 0.00003; gnomAD 0.00006; ESP Exome Variant Server 0.00008.
gnomAD v4.1: 18 of 1,613,928 alleles (0.0011%); highest among the groups gnomAD compares: African/African-American, 0.0053%; no homozygotes.

Submission:

Phosphorus, Inc.
Classification: Uncertain significance. Last evaluated: 2022-01-14. Review status: criteria provided, single submitter. Criteria: ACMG Guidelines, 2015. Collection method: clinical testing. Allele origin: germline. Inheritance: Autosomal dominant inheritance.
Comment: This missense variant resulted in an amino acid substitution of glycine with serine at codon 853 of the F5 gene. The variant has occurred in GnomAD with a total MAF of 0.0004% and with the highest MAF of 0.0009% in the European population. This position is conserved. In silico functional algorithm predicted with Polyphen calling it deleterious, and SIFT deleterious, but no functional studies were performed to confirm this prediction. This variant NM_000130.4(F5): c.2557G>A (p.Gly853Ser) is not present in the ClinVar database. The variant has not occurred in the literature in the association with the disease. Considering that this is a rare variant, whose impact on protein and association with the disease are unknown, it has been classified as a Variant of Uncertain Significance.